The following is an entry in ClinVar:

ClinVar aggregate classification (germline): Conflicting classifications of pathogenicity. Review status: criteria provided, conflicting classifications (1 of 4 stars). 4 submissions from 4 submitters: Uncertain significance (1); Benign (1). 2 of the submissions do not count toward it. Last evaluated 2025-05-30.

Conditions:
MYL3-related disorder. Also called: MYL3-related condition.

Allele frequency attached by ClinVar (database versions not stated): gnomAD 0.00007 and 0.00006; ESP Exome Variant Server 0.00015; 1000 Genomes Project 30x 0.00016; 1000 Genomes Project 0.00020; gnomAD exomes 0.00004 and 0.00005; TOPMed 0.00005; ExAC 0.00007.
gnomAD v4.1: 76 of 1,614,162 alleles (0.0047%); highest among the groups gnomAD compares: Non-Finnish European, 0.0063%; no homozygotes.

Submissions (4):

Women's Health and Genetics/Laboratory Corporation of America, LabCorp
Classification: Uncertain significance. Last evaluated: 2025-05-30. Review status: criteria provided, single submitter. Criteria: LabCorp Variant Classification Summary - May 2015. Collection method: clinical testing. Allele origin: germline.

GeneDx
Classification: Benign. Last evaluated: 2015-05-27. Review status: criteria provided, single submitter. Criteria: GeneDx Variant Classification (06012015). Collection method: clinical testing. Allele origin: germline. Affected: yes.
Comment: This variant is considered likely benign or benign based on one or more of the following criteria: it is a conservative change, it occurs at a poorly conserved position in the protein, it is predicted to be benign by multiple in silico algorithms, and/or has population frequency not consistent with disease.

PreventionGenetics, part of Exact Sciences
Classification: Likely benign for MYL3-related condition. Last evaluated: 2020-08-20. Review status: no assertion criteria provided. Collection method: clinical testing. Allele origin: germline. Not counted in ClinVar's aggregate classification.
Comment: This variant is classified as likely benign based on ACMG/AMP sequence variant interpretation guidelines (Richards et al. 2015 PMID: 25741868, with internal and published modifications).

Laboratory for Molecular Medicine, Mass General Brigham Personalized Medicine
No classification provided. Last evaluated: 2014-02-27. Review status: no classification provided. Collection method: clinical testing. Allele origin: germline. Observed: 1 variant allele. Not counted in ClinVar's aggregate classification.

NM_000258.3(MYL3):c.*9C>T

Gene: MYL3 (myosin light chain 3; minus strand). Cytogenetic location: 3p21.31.
Variant type: single nucleotide variant.
Coding change: c.*9C>T on transcript NM_000258.3 (MANE Select); 9 bases downstream of the stop codon, C replaced by T.
Molecular consequence: 3 prime UTR variant.
Genome position (GRCh38, 1-based): chr3:46,858,235, G>A on the plus strand (C>T on the coding strand, the complement: MYL3 is on the minus strand). VCF-style: chr3-46858235-G-A. GRCh37 (hg19) VCF-style: chr3-46899725-G-A.
Identifiers: ClinVar variation 178086 (VCV000178086.7), dbSNP rs202234617, ClinGen allele CA014125.